The following is an entry in ClinVar:

NM_002476.2(MYL4):c.19G>A (p.Glu7Lys)

Gene: MYL4 (myosin light chain 4; plus strand). Cytogenetic location: 17q21.32.
Variant type: single nucleotide variant.
Coding change: c.19G>A on transcript NM_002476.2 (MANE Select); coding-DNA position 19, G replaced by A.
Protein change: p.Glu7Lys; replaces glutamic acid 7 with lysine.
Molecular consequence: missense variant.
Genome position (GRCh38, 1-based): chr17:47,209,441, G>A. VCF-style: chr17-47209441-G-A. GRCh37 (hg19) VCF-style: chr17-45286807-G-A.
Other names: c.19G>A, p.Glu7Lys (NM_001002841.2); short protein forms E7K.
Identifiers: ClinVar variation 2071302 (VCV002071302.4), dbSNP rs2547591118, ClinGen allele CA400030810.

ClinVar aggregate classification (germline): Uncertain significance (1 of 4 stars; one submission).

Conditions:
Atrial fibrillation, familial, 18 (ATFB18). Identifiers: MedGen C4310636, MONDO:0015001, OMIM 617280.

Submission:

Labcorp Genetics (formerly Invitae), Labcorp
Classification: Uncertain significance for Atrial fibrillation, familial, 18. Last evaluated: 2022-03-27. Review status: criteria provided, single submitter. Criteria: Invitae Variant Classification Sherloc (09022015). Collection method: clinical testing. Allele origin: germline.
Comment: In summary, the available evidence is currently insufficient to determine the role of this variant in disease. Therefore, it has been classified as a Variant of Uncertain Significance. Algorithms developed to predict the effect of missense changes on protein structure and function are either unavailable or do not agree on the potential impact of this missense change (SIFT: "Tolerated"; PolyPhen-2: "Not Available"; Align-GVGD: "Class C0"). This variant has not been reported in the literature in individuals affected with MYL4-related conditions. This variant is not present in population databases (gnomAD no frequency). This sequence change replaces glutamic acid, which is acidic and polar, with lysine, which is basic and polar, at codon 7 of the MYL4 protein (p.Glu7Lys).